The following is an entry in ClinVar:

NM_005632.3(CAPN15):c.3075C>G (p.Pro1025=)

Gene: CAPN15 (calpain 15; plus strand). Cytogenetic location: 16p13.3.
Variant type: single nucleotide variant.
Coding change: c.3075C>G on transcript NM_005632.3 (MANE Select); coding-DNA position 3075, C replaced by G.
Protein change: p.Pro1025=; no amino-acid change (proline 1025 retained).
Molecular consequence: synonymous variant.
Genome position (GRCh38, 1-based): chr16:553,033, C>G. VCF-style: chr16-553033-C-G. GRCh37 (hg19) VCF-style: chr16-603033-C-G.
Identifiers: ClinVar variation 4995655 (VCV004995655.1).

ClinVar aggregate classification (germline): Likely benign (1 of 4 stars; one submission).

Conditions:
CAPN15-related disorder. Also called: CAPN15-related condition.

Submission:

PreventionGenetics, part of Exact Sciences
Classification: Likely benign for CAPN15-related condition. Last evaluated: 2026-08-18. Review status: criteria provided, single submitter. Criteria: ACMG Guidelines, 2015. Collection method: clinical testing. Allele origin: germline.
Comment: This variant is classified as likely benign based on ACMG/AMP sequence variant interpretation guidelines (Richards et al. 2015 PMID: 25741868, with internal and published modifications).